The following is an entry in ClinVar:

ClinVar aggregate classification (germline): Uncertain significance. Review status: criteria provided, multiple submitters, no conflicts (2 of 4 stars). 3 submissions from 3 submitters: Uncertain significance (3). Last evaluated 2024-05-02.

Conditions:
Mucopolysaccharidosis, MPS-III-B (MPS3B). Also called: MPS III B; MUCOPOLYSACCHARIDOSIS, TYPE IIIB; N-ACETYL-ALPHA-D-GLUCOSAMINIDASE DEFICIENCY; NAGLU DEFICIENCY; SANFILIPPO SYNDROME B; Mucopolysaccharidosis type IIIB (Sanfilippo B). Identifiers: Orphanet 79270, MedGen C0086648, MONDO:0009656, OMIM 252920.
Charcot-Marie-Tooth disease axonal type 2V. Also called: CHARCOT-MARIE-TOOTH NEUROPATHY, TYPE 2V; CHARCOT-MARIE-TOOTH DISEASE, AXONAL, AUTOSOMAL DOMINANT, TYPE 2V. Identifiers: Orphanet 447964, MedGen C5569050, MONDO:0014665, OMIM 616491.

Allele frequency attached by ClinVar (database versions not stated): ESP Exome Variant Server 0.00008; 1000 Genomes Project 30x 0.00016; gnomAD exomes 0.00002 and 0.00003; 1000 Genomes Project 0.00020; gnomAD 0.00005 and 0.00004; ExAC 0.00003; TOPMed 0.00005.
gnomAD v4.1: 35 of 1,610,230 alleles (0.0022%); highest among the groups gnomAD compares: South Asian, 0.011%; no homozygotes.

Submissions (3):

Blueprint Genetics
Classification: Uncertain significance. Last evaluated: 2024-05-02. Review status: criteria provided, single submitter. Criteria: ACMG Guidelines, 2015. Collection method: clinical testing. Allele origin: germline.

Women's Health and Genetics/Laboratory Corporation of America, LabCorp
Classification: Uncertain significance. Last evaluated: 2024-03-04. Review status: criteria provided, single submitter. Criteria: LabCorp Variant Classification Summary - May 2015. Collection method: clinical testing. Allele origin: germline.
Comment: Variant summary: NAGLU c.1073C>T (p.Pro358Leu) results in a non-conservative amino acid change located in the Alpha-N-acetylglucosaminidase, tim-barrel domain (IPR024733) of the encoded protein sequence. Four of five in-silico tools predict a damaging effect of the variant on protein function. The variant allele was found at a frequency of 3.3e-05 in 244814 control chromosomes. c.1073C>T has been reported in the literature as a homozygous genotype in the cell line derived from at-least one individual affected with Mucopolysaccharidosis Type IIIB (Sanfilippo Syndrome B) (Schmidtchen_1998, Vallejo-Diez_2018) and also as a homozygous genotype in cis with another variant, p.Tyr92His in another individual whose identity as a distinct occurrence cannot be confirmed (example, Pollard_2013). These data indicate that the variant may be associated with disease. At least two publications report experimental evidence evaluating an impact on protein function (Schmidtchen_1998, Clark_2018). The most pronounced variant effect results in <10% of normal intracellular and secreted alpha-N-Acetylglucosaminidase enzyme activity as measured by stable transfection of Chinese hamster ovary cells, by cDNA mutagenized to correspond to the NAGLU missense mutations (Schmidtchen_1998). However, Clark_2018 reported this variant produced about 43% of WT activity in HEK293 cells. The following publications have been ascertained in the context of this evaluation (PMID: 29979746, 22976768, 9443878, 30408744). ClinVar contains an entry for this variant (Variation ID: 631771). Based on the evidence outlined above, the variant was classified as VUS-possibly pathogenic.

Labcorp Genetics (formerly Invitae), Labcorp
Classification: Uncertain significance for Charcot-Marie-Tooth disease axonal type 2V; Mucopolysaccharidosis, MPS-III-B. Last evaluated: 2022-07-25. Review status: criteria provided, single submitter. Criteria: Invitae Variant Classification Sherloc (09022015). Collection method: clinical testing. Allele origin: germline.
Comment: This sequence change replaces proline, which is neutral and non-polar, with leucine, which is neutral and non-polar, at codon 358 of the NAGLU protein (p.Pro358Leu). This variant is present in population databases (rs368687817, gnomAD 0.02%). This missense change has been observed in individual(s) with Sanfilippo syndrome type B (PMID: 9443878). ClinVar contains an entry for this variant (Variation ID: 631771). Advanced modeling of protein sequence and biophysical properties (such as structural, functional, and spatial information, amino acid conservation, physicochemical variation, residue mobility, and thermodynamic stability) performed at Invitae indicates that this missense variant is expected to disrupt NAGLU protein function. Experimental studies have shown that this missense change affects NAGLU function (PMID: 9443878, 29979746). In summary, the available evidence is currently insufficient to determine the role of this variant in disease. Therefore, it has been classified as a Variant of Uncertain Significance.

Literature cited by the submitters: PubMed 22976768 (cited by Women's Health and Genetics/Laboratory Corporation of America, LabCorp); PubMed 29979746 (cited by Women's Health and Genetics/Laboratory Corporation of America, LabCorp and Labcorp Genetics (formerly Invitae), Labcorp); PubMed 9443878 (cited by Women's Health and Genetics/Laboratory Corporation of America, LabCorp and Labcorp Genetics (formerly Invitae), Labcorp); PubMed 30408744 (cited by Women's Health and Genetics/Laboratory Corporation of America, LabCorp).

NM_000263.4(NAGLU):c.1073C>T (p.Pro358Leu)

Gene: NAGLU (N-acetyl-alpha-glucosaminidase; plus strand). Cytogenetic location: 17q21.2.
Variant type: single nucleotide variant.
Coding change: c.1073C>T on transcript NM_000263.4 (MANE Select); coding-DNA position 1073, C replaced by T.
Protein change: p.Pro358Leu; replaces proline 358 with leucine.
Molecular consequence: missense variant.
Genome position (GRCh38, 1-based): chr17:42,543,079, C>T. VCF-style: chr17-42543079-C-T. GRCh37 (hg19) VCF-style: chr17-40695097-C-T.
Other names: short protein forms P358L.
Identifiers: ClinVar variation 631771 (VCV000631771.10), dbSNP rs368687817, ClinGen allele CA8576953.
Genomic context (GRCh38, chr17:42,543,079, plus strand): 5'-TGTCCACAGTGGATACTGAGGCTGTGTGGCTGCTCCAAGGCTGGCTCTTCCAGCACCAGC[C>T]GCAGTTCTGGGGGCCCGCCCAGATCAGGGCTGTGCTGGGAGCTGTGCCCCGTGGCCGCCT-3'
Protein context (NP_000254.2, residues 348-368): LLQGWLFQHQ[Pro358Leu]QFWGPAQIRA